The following is an entry in ClinVar:

ClinVar aggregate classification (germline): Pathogenic (1 of 4 stars; one submission).

Submission:

Labcorp Genetics (formerly Invitae), Labcorp
Classification: Pathogenic. Last evaluated: 2022-09-01. Review status: criteria provided, single submitter. Criteria: Invitae Variant Classification Sherloc (09022015). Collection method: clinical testing. Allele origin: germline.
Comment: For these reasons, this variant has been classified as Pathogenic. ClinVar contains an entry for this variant (Variation ID: 1424462). This variant has not been reported in the literature in individuals affected with C2CD3-related conditions. This variant is not present in population databases (gnomAD no frequency). This sequence change creates a premature translational stop signal (p.Arg18Lysfs*5) in the C2CD3 gene. It is expected to result in an absent or disrupted protein product. Loss-of-function variants in C2CD3 are known to be pathogenic (PMID: 24997988, 26477546).

Literature cited by the submitters: PubMed 24997988; PubMed 26477546.

NM_001286577.2(C2CD3):c.52dup (p.Arg18fs)

Gene: C2CD3 (C2 domain containing 3 centriole elongation regulator; minus strand). Cytogenetic location: 11q13.4.
Variant type: Duplication.
Coding change: c.52dup on transcript NM_001286577.2 (MANE Select); coding-DNA position 52, one base duplicated (A; older notation c.52dupA).
Protein change: p.Arg18fs; shifts the reading frame from arginine 18.
Molecular consequence: frameshift variant.
Genome position (GRCh38, 1-based): chr11:74,170,741, T duplicated on the plus strand (A on the coding strand, the reverse complement: C2CD3 is on the minus strand); the first of 7 consecutive T bases (chr11:74,170,741-74,170,747); duplicating any one gives the same sequence. VCF-style (leftmost placement, unchanged base first): chr11-74170740-C-CT. GRCh37 (hg19) VCF-style: chr11-73881785-C-CT.
Other names: c.52dup, p.Arg18fs (NM_015531.6); short protein forms R18fs.
Identifiers: ClinVar variation 1424462 (VCV001424462.6), dbSNP rs2135581709, ClinGen allele CA645594042.
Genomic context (GRCh38, chr11:74,170,740, plus strand): 5'-ATTCCTTACACCCTGCTCTCCTATTACGCTTTCCTCAATCTTTGATCGCTCAGGTTACCT[C>CT]TTTTTTTGCGCCCACGGCTGCCCCCAGACCCTTGGCCTTTTCGTTGTTTCATGATGAGCC-3'